The following is an entry in ClinVar:

ClinVar aggregate classification (germline): Conflicting classifications of pathogenicity. Review status: criteria provided, conflicting classifications (1 of 4 stars). 4 submissions from 4 submitters: Uncertain significance (2); Likely benign (2). Last evaluated 2025-06-06.

Allele frequency attached by ClinVar (database versions not stated): ExAC 0.00037; TOPMed 0.00138; ESP Exome Variant Server 0.00100; gnomAD exomes 0.00012 and 0.00031; 1000 Genomes Project 0.00120; gnomAD 0.00129 and 0.00138; 1000 Genomes Project 30x 0.00156.
gnomAD v4.1: 388 of 1,614,142 alleles (0.024%); highest among the groups gnomAD compares: African/African-American, 0.43%; 4 homozygotes.

Submissions (4):

Mayo Clinic Laboratories, Mayo Clinic
Classification: Uncertain significance. Last evaluated: 2025-06-06. Review status: criteria provided, single submitter. Criteria: ACMG Guidelines, 2015. Collection method: clinical testing. Allele origin: germline. Observed: 1 variant allele.
Comment: BP4_moderate

Ambry Genetics
Classification: Uncertain significance. Last evaluated: 2024-11-27. Review status: criteria provided, single submitter. Criteria: Ambry Variant Classification Scheme 2023. Collection method: clinical testing. Allele origin: germline.

Labcorp Genetics (formerly Invitae), Labcorp
Classification: Likely benign. Last evaluated: 2018-11-09. Review status: criteria provided, single submitter. Criteria: Invitae Variant Classification Sherloc (09022015). Collection method: clinical testing. Allele origin: germline.

Breakthrough Genomics
Classification: Likely benign. Review status: criteria provided, single submitter. Criteria: ACMG Guidelines, 2015. Collection method: not provided. Allele origin: germline. Inheritance: Autosomal recessive inheritance. Affected: yes.

NM_014813.3(LRIG2):c.3088G>A (p.Gly1030Arg)

Gene: LRIG2 (leucine rich repeats and immunoglobulin like domains 2; plus strand). Cytogenetic location: 1p13.2.
Variant type: single nucleotide variant.
Coding change: c.3088G>A on transcript NM_014813.3 (MANE Select); coding-DNA position 3088, G replaced by A.
Protein change: p.Gly1030Arg; replaces glycine 1030 with arginine.
Molecular consequence: missense variant.
Genome position (GRCh38, 1-based): chr1:113,123,991, G>A. VCF-style: chr1-113123991-G-A. GRCh37 (hg19) VCF-style: chr1-113666613-G-A.
Other names: p.Gly1030Arg; c.2779G>A, p.Gly927Arg (NM_001312686.2); c.3088G>A (NM_014813.1); short protein forms G1030R, G927R.
Identifiers: ClinVar variation 730884 (VCV000730884.6), dbSNP rs61751735, ClinGen allele CA1012414.